The following is an entry in ClinVar:

ClinVar aggregate classification (germline): Uncertain significance (1 of 4 stars; one submission).

Conditions:
PLCG1-related disorder. Also called: PLCG1-related condition.

gnomAD v4.1: 4 of 1,614,000 alleles (0.00025%); highest among the groups gnomAD compares: Non-Finnish European, 0.00034%; no homozygotes.

Submission:

PreventionGenetics, part of Exact Sciences
Classification: Uncertain significance for PLCG1-related condition. Last evaluated: 2025-11-17. Review status: criteria provided, single submitter. Criteria: ACMG Guidelines, 2015. Collection method: clinical testing. Allele origin: germline.
Comment: The PLCG1 c.3454C>G variant is predicted to result in the amino acid substitution p.Pro1152Ala. To our knowledge, this variant has not been reported in the literature or in a large population database (gnomAD), indicating this variant is rare. At this time, the clinical significance of this variant is uncertain due to the absence of conclusive functional and genetic evidence.

NM_002660.3(PLCG1):c.3454C>G (p.Pro1152Ala)

Gene: PLCG1 (phospholipase C gamma 1; plus strand). Cytogenetic location: 20q12.
Variant type: single nucleotide variant.
Coding change: c.3454C>G on transcript NM_002660.3 (MANE Select); coding-DNA position 3454, C replaced by G.
Protein change: p.Pro1152Ala; replaces proline 1152 with alanine.
Molecular consequence: missense variant.
Genome position (GRCh38, 1-based): chr20:41,173,711, C>G. VCF-style: chr20-41173711-C-G. GRCh37 (hg19) VCF-style: chr20-39802351-C-G.
Other names: c.3454C>G, p.Pro1152Ala (NM_182811.2); short protein forms P1152A.
Identifiers: ClinVar variation 4987261 (VCV004987261.1).